The following is an entry in ClinVar:

ClinVar aggregate classification (germline): Uncertain significance. Review status: criteria provided, multiple submitters, no conflicts (2 of 4 stars). 4 submissions from 4 submitters: Uncertain significance (4). Last evaluated 2025-10-27.

Conditions:
Inborn genetic diseases. Identifiers: MedGen C0950123, MeSH D030342.
DNMT3A-related disorder. Also called: DNMT3A-related condition; DNMT3A-related disorders.
Tatton-Brown-Rahman overgrowth syndrome. Also called: Tall stature-intellectual disability-facial dysmorphism syndrome; Tatton-Brown-Rahman syndrome. Identifiers: Orphanet 404443, MedGen C4014545, MONDO:0014382, OMIM 615879.

Allele frequency attached by ClinVar (database versions not stated): gnomAD exomes below 0.00001; TOPMed below 0.00001.
gnomAD v4.1: 5 of 1,597,504 alleles (0.00031%); highest among the groups gnomAD compares: Admixed American, 0.0053%; no homozygotes.

Submissions (4):

PreventionGenetics, part of Exact Sciences
Classification: Uncertain significance for DNMT3A-related condition. Last evaluated: 2025-10-27. Review status: criteria provided, single submitter. Criteria: ACMG Guidelines, 2015. Collection method: clinical testing. Allele origin: germline.
Comment: The DNMT3A c.233T>C variant is predicted to result in the amino acid substitution p.Met78Thr. To our knowledge, this variant has not been reported in the literature. This variant is reported in 0.0032% of alleles in individuals of Latino descent in gnomAD. At this time, the clinical significance of this variant is uncertain due to the absence of conclusive functional and genetic evidence.

Labcorp Genetics (formerly Invitae), Labcorp
Classification: Uncertain significance for Tatton-Brown-Rahman overgrowth syndrome. Last evaluated: 2025-07-15. Review status: criteria provided, single submitter. Criteria: Invitae Variant Classification Sherloc (09022015). Collection method: clinical testing. Allele origin: germline.
Comment: This sequence change replaces methionine, which is neutral and non-polar, with threonine, which is neutral and polar, at codon 78 of the DNMT3A protein (p.Met78Thr). This variant is not present in population databases (gnomAD no frequency). This variant has not been reported in the literature in individuals affected with DNMT3A-related conditions. ClinVar contains an entry for this variant (Variation ID: 1317301). Invitae Evidence Modeling of protein sequence and biophysical properties (such as structural, functional, and spatial information, amino acid conservation, physicochemical variation, residue mobility, and thermodynamic stability) indicates that this missense variant is not expected to disrupt DNMT3A protein function with a negative predictive value of 95%. In summary, the available evidence is currently insufficient to determine the role of this variant in disease. Therefore, it has been classified as a Variant of Uncertain Significance.

Ambry Genetics
Classification: Uncertain significance for Inborn genetic diseases. Last evaluated: 2024-12-10. Review status: criteria provided, single submitter. Criteria: Ambry Variant Classification Scheme 2023. Collection method: clinical testing. Allele origin: germline.

GeneDx
Classification: Uncertain significance. Last evaluated: 2020-06-23. Review status: criteria provided, single submitter. Criteria: GeneDx Variant Classification Process June 2021. Collection method: clinical testing. Allele origin: germline. Affected: yes.
Comment: In silico analysis supports that this missense variant has a deleterious effect on protein structure/function; Has not been previously published as pathogenic or benign to our knowledge

NM_022552.5(DNMT3A):c.233T>C (p.Met78Thr)

Gene: DNMT3A (DNA methyltransferase 3 alpha; minus strand). Cytogenetic location: 2p23.3.
Variant type: single nucleotide variant.
Coding change: c.233T>C on transcript NM_022552.5 (MANE Select); coding-DNA position 233, T replaced by C.
Protein change: p.Met78Thr; replaces methionine 78 with threonine.
Molecular consequence: missense variant. On other transcripts: non-coding transcript variant (1).
Genome position (GRCh38, 1-based): chr2:25,282,656, A>G on the plus strand (T>C on the coding strand, the complement: DNMT3A is on the minus strand). VCF-style: chr2-25282656-A-G. GRCh37 (hg19) VCF-style: chr2-25505525-A-G.
Other names: c.233T>C (NM_175629.1); c.233T>C, p.Met78Thr (NM_175629.2, NM_175630.1, NM_001320892.2); short protein forms M78T.
Identifiers: ClinVar variation 1317301 (VCV001317301.6), dbSNP rs1558705159, ClinGen allele CA346084095.